The following is an entry in ClinVar:

NC_000013.10:g.(?_111267891)_(111292344_?)dup

Gene: NAXD (NAD(P)HX dehydratase; plus strand). Cytogenetic location: 13q34.
Variant type: Duplication.
Identifiers: ClinVar variation 4535613 (VCV004535613.1).

ClinVar aggregate classification (germline): Uncertain significance (1 of 4 stars; one submission).

Submission:

Women's Health and Genetics/Laboratory Corporation of America, LabCorp
Classification: Uncertain significance. Last evaluated: 2025-09-10. Review status: criteria provided, single submitter. Criteria: LabCorp Variant Classification Summary - May 2015. Collection method: clinical testing. Allele origin: germline.
Comment: Variant summary: The variant involves the duplication of exons 1-10 in the NAXD gene. This duplication includes the entire coding sequence of the gene. As exact breakpoints are unknown, it may extend beyond the annotated region of the gene, to include other flanking genes. A presumed nomenclature of c.(?_-58)_(*1469_?)dup has been designated for the purposes of this classification. The variant was absent in 21694 control chromosomes. The available data on variant occurrences in the general population are insufficient to allow any conclusion about variant significance. To our knowledge, no occurrence of c.(?_-58)_(*1469_?)dup in individuals affected with NAXD-related conditions and no experimental evidence demonstrating its impact on protein function have been reported. No submitters have cited clinical-significance assessments for this variant to ClinVar. Based on the evidence outlined above, the variant was classified as uncertain significance.